The following is an entry in ClinVar:

NM_004415.4(DSP):c.4241A>T (p.Asn1414Ile)

Gene: DSP (desmoplakin; plus strand). Cytogenetic location: 6p24.3.
Variant type: single nucleotide variant.
Coding change: c.4241A>T on transcript NM_004415.4 (MANE Select); coding-DNA position 4241, A replaced by T.
Protein change: p.Asn1414Ile; replaces asparagine 1414 with isoleucine.
Molecular consequence: missense variant. On other transcripts: intron variant (2).
Genome position (GRCh38, 1-based): chr6:7,580,431, A>T. VCF-style: chr6-7580431-A-T. GRCh37 (hg19) VCF-style: chr6-7580664-A-T.
Other names: c.4050+191A>T (NM_001319034.2); c.3582+659A>T (NM_001008844.3); short protein forms N1414I.
Identifiers: ClinVar variation 4785688 (VCV004785688.1).

ClinVar aggregate classification (germline): Uncertain significance (1 of 4 stars; one submission).

Conditions:
Arrhythmogenic cardiomyopathy with wooly hair and keratoderma. Also called: Carvajal syndrome; PALMOPLANTAR KERATODERMA WITH LEFT VENTRICULAR CARDIOMYOPATHY AND WOOLLY HAIR; Dilated cardiomyopathy with woolly hair and keratoderma; Arrhythmogenic cardiomyopathy with woolly hair and keratoderma. Identifiers: Orphanet 65282, MedGen C1854063, MONDO:0011581, OMIM 605676.
Arrhythmogenic right ventricular dysplasia 8 (ARVD8). Also called: Arrhythmogenic Right Ventricular Dysplasia/Cardiomyopathy 8; ARRHYTHMOGENIC RIGHT VENTRICULAR DYSPLASIA, FAMILIAL, 8; ARRHYTHMOGENIC RIGHT VENTRICULAR CARDIOMYOPATHY 8. Identifiers: MedGen C1843896, MONDO:0011831, OMIM 607450.

Submission:

Labcorp Genetics (formerly Invitae), Labcorp
Classification: Uncertain significance for Arrhythmogenic cardiomyopathy with wooly hair and keratoderma; Arrhythmogenic right ventricular dysplasia 8. Last evaluated: 2025-12-25. Review status: criteria provided, single submitter. Criteria: Invitae Variant Classification Sherloc (09022015). Collection method: clinical testing. Allele origin: germline.
Comment: This sequence change replaces asparagine, which is neutral and polar, with isoleucine, which is neutral and non-polar, at codon 1414 of the DSP protein (p.Asn1414Ile). This variant is not present in population databases (gnomAD no frequency). This variant has not been reported in the literature in individuals affected with DSP-related conditions. An algorithm developed to predict the effect of missense changes on protein structure and function (PolyPhen-2) suggests that this variant is likely to be tolerated. In summary, the available evidence is currently insufficient to determine the role of this variant in disease. Therefore, it has been classified as a Variant of Uncertain Significance.